The following is an entry in ClinVar:

ClinVar aggregate classification (germline): Uncertain significance (1 of 4 stars; one submission).

Conditions:
Hereditary sensory neuropathy-deafness-dementia syndrome. Also called: NEUROPATHY, HEREDITARY SENSORY, WITH HEARING LOSS AND DEMENTIA; Hereditary sensory neuropathy type IE; Hereditary Sensory and Autonomic Neuropathy Type 1E (HSAN1E); HSN IE. Identifiers: Orphanet 456318, MedGen C3279885, MONDO:0013584, OMIM 614116.

Allele frequency attached by ClinVar (database versions not stated): gnomAD exomes below 0.00001; gnomAD 0.00001; TOPMed 0.00002.

Submission:

Labcorp Genetics (formerly Invitae), Labcorp
Classification: Uncertain significance for Hereditary sensory neuropathy-deafness-dementia syndrome. Last evaluated: 2020-07-22. Review status: criteria provided, single submitter. Criteria: Invitae Variant Classification Sherloc (09022015). Collection method: clinical testing. Allele origin: germline.
Comment: In summary, the available evidence is currently insufficient to determine the role of this variant in disease. Therefore, it has been classified as a Variant of Uncertain Significance. Algorithms developed to predict the effect of missense changes on protein structure and function (SIFT, PolyPhen-2, Align-GVGD) all suggest that this variant is likely to be tolerated, but these predictions have not been confirmed by published functional studies and their clinical significance is uncertain. This variant has not been reported in the literature in individuals with DNMT1-related conditions. This variant is not present in population databases (ExAC no frequency). This sequence change replaces serine with threonine at codon 586 of the DNMT1 protein (p.Ser586Thr). The serine residue is moderately conserved and there is a small physicochemical difference between serine and threonine.

NM_001130823.3(DNMT1):c.1757G>C (p.Ser586Thr)

Gene: DNMT1 (DNA methyltransferase 1; minus strand). Cytogenetic location: 19p13.2.
Variant type: single nucleotide variant.
Coding change: c.1757G>C on transcript NM_001130823.3 (MANE Select); coding-DNA position 1757, G replaced by C.
Protein change: p.Ser586Thr; replaces serine 586 with threonine.
Molecular consequence: missense variant.
Genome position (GRCh38, 1-based): chr19:10,154,661, C>G on the plus strand (G>C on the coding strand, the complement: DNMT1 is on the minus strand). VCF-style: chr19-10154661-C-G. GRCh37 (hg19) VCF-style: chr19-10265337-C-G.
Other names: c.1709G>C, p.Ser570Thr (NM_001318730.2, NM_001379.4); c.1394G>C, p.Ser465Thr (NM_001318731.2); short protein forms S570T, S465T, S586T.
Identifiers: ClinVar variation 1045162 (VCV001045162.8), dbSNP rs1201469324, ClinGen allele CA403934734.